The following is an entry in ClinVar:

ClinVar aggregate classification (germline): Uncertain significance (1 of 4 stars; one submission).

Conditions:
Cardiovascular phenotype. Identifiers: MedGen CN230736.

Allele frequency attached by ClinVar (database versions not stated): gnomAD exomes below 0.00001; TOPMed 0.00004.
gnomAD v4.1: 1 of 1,550,268 alleles (0.000065%); highest among the groups gnomAD compares: Non-Finnish European, 0.000087%; no homozygotes.

Submission:

Ambry Genetics
Classification: Uncertain significance for Cardiovascular phenotype. Last evaluated: 2023-06-18. Review status: criteria provided, single submitter. Criteria: Ambry Variant Classification Scheme 2023. Collection method: clinical testing. Allele origin: germline.
Comment: The p.P3043L variant (also known as c.9128C>T), located in coding exon 2 of the ZNF469 gene, results from a C to T substitution at nucleotide position 9128. The proline at codon 3043 is replaced by leucine, an amino acid with similar properties. This amino acid position is conserved. In addition, this alteration is predicted to be tolerated by in silico analysis. Since supporting evidence is limited at this time, the clinical significance of this alteration remains unclear.

NM_001367624.2(ZNF469):c.9212C>T (p.Pro3071Leu)

Gene: ZNF469 (zinc finger protein 469; plus strand). Cytogenetic location: 16q24.2.
Variant type: single nucleotide variant.
Coding change: c.9212C>T on transcript NM_001367624.2 (MANE Select); coding-DNA position 9212, C replaced by T.
Protein change: p.Pro3071Leu; replaces proline 3071 with leucine.
Molecular consequence: missense variant.
Genome position (GRCh38, 1-based): chr16:88,436,682, C>T. VCF-style: chr16-88436682-C-T. GRCh37 (hg19) VCF-style: chr16-88503090-C-T.
Other names: NM_001127464.1:c.9128C>T; short protein forms P3071L.
Identifiers: ClinVar variation 2626104 (VCV002626104.2), dbSNP rs892568132, ClinGen allele CA286385169.